The following is an entry in ClinVar:

ClinVar aggregate classification (germline): Pathogenic. Review status: criteria provided, multiple submitters, no conflicts (2 of 4 stars). 9 submissions from 9 submitters: Pathogenic (8). 1 of the submissions does not count toward it. Last evaluated 2025-12-14.

Conditions:
Sanfilippo syndrome. Also called: Mucopolysaccharidosis type 3; Mucopolysaccharidosis Type III; Sanfilippo disease. Identifiers: Orphanet 581, MedGen C0026706, MONDO:0018937.
Inborn genetic diseases. Identifiers: MedGen C0950123, MeSH D030342.
Mucopolysaccharidosis, MPS-III-A (MPS3A). Also called: Mucopolysaccharidosis, type IIIA; SANFILIPPO SYNDROME A; SULFAMIDASE DEFICIENCY; MPS IIIA (Sanfilippo Syndrome Type A); mucopolysaccharidosis type 3A; HEPARAN SULFATE SULFATASE DEFICIENCY. Identifiers: Orphanet 581, Orphanet 79269, MedGen C0086647, MONDO:0009655, OMIM 252900.

Submissions (9):

Labcorp Genetics (formerly Invitae), Labcorp
Classification: Pathogenic for Mucopolysaccharidosis, MPS-III-A. Last evaluated: 2025-12-14. Review status: criteria provided, single submitter. Criteria: Invitae Variant Classification Sherloc (09022015). Collection method: clinical testing. Allele origin: germline.
Comment: This sequence change creates a premature translational stop signal (p.Leu343Profs*159) in the SGSH gene. While this is not anticipated to result in nonsense mediated decay, it is expected to disrupt the last 160 amino acid(s) of the SGSH protein. This variant is present in population databases (rs778700037, gnomAD 0.008%). This premature translational stop signal has been observed in individual(s) with mucopolysaccharidosis type III (PMID: 15146460, 21204211, 24314109). This variant is also known as c.1026dupC, c.1027_1028insC, and insC1039. ClinVar contains an entry for this variant (Variation ID: 198694). Algorithms developed to predict the effect of variants on gene product structure and function are not available or were not evaluated for this variant. Experimental studies have shown that this premature translational stop signal affects SGSH function (PMID: 15146460). For these reasons, this variant has been classified as Pathogenic.

Natera, Inc.
Classification: Pathogenic for Mucopolysaccharidosis type IIIA. Last evaluated: 2025-09-04. Review status: criteria provided, single submitter. Criteria: Natera Variant Classification Schema (03/2026). Collection method: clinical testing. Allele origin: germline.
Comment: The c.1027dupC variant in SGSH is a frameshift variant predicted to shift the reading frame beginning at codon 343 and leads to a stop codon 159 codons downstream. This variant is expected to result in nonsense mediated decay, truncation, or a dysfunctional protein product. This variant is rare in the general population with a frequency below the threshold expected for the associated phenotype(s). This variant has been observed in one or more individuals affected with the associated recessive disease, as either homozygous or compound heterozygous with a second variant (PMID: 21204211). Given the available evidence, this variant is classified as Pathogenic.

GeneDx
Classification: Pathogenic. Last evaluated: 2024-08-10. Review status: criteria provided, single submitter. Criteria: GeneDx Variant Classification Process June 2021. Collection method: clinical testing. Allele origin: germline. Affected: yes.
Comment: Frameshift variant predicted to result in protein truncation, as the last 160 amino acids are replaced with 158 different amino acids, and other loss-of-function variants have been reported downstream in HGMD; Not observed at significant frequency in large population cohorts (gnomAD); This variant is associated with the following publications: (PMID: 22976768, 24314109, 9285796, 21204211, 15146460)

Fulgent Genetics
Classification: Pathogenic for Mucopolysaccharidosis, MPS-III-A. Last evaluated: 2024-03-09. Review status: criteria provided, single submitter. Criteria: ACMG Guidelines, 2015. Collection method: clinical testing. Allele origin: germline.

Genome-Nilou Lab
Classification: Pathogenic for Mucopolysaccharidosis, MPS-III-A. Last evaluated: 2021-11-07. Review status: criteria provided, single submitter. Criteria: ACMG Guidelines, 2015. Collection method: clinical testing. Allele origin: germline. Affected: no.

Ambry Genetics
Classification: Pathogenic for Inborn genetic diseases. Last evaluated: 2019-12-26. Review status: criteria provided, single submitter. Criteria: Ambry Variant Classification Scheme 2023. Collection method: clinical testing. Allele origin: germline.
Comment: The alteration results in a premature stop codon: _x000D_ _x000D_ The c.1027dupC (p.L343Pfs*159) alteration, located in coding exon 8 of the SGSH gene, consists of a duplication of C at position 1027, causing a translational frameshift with a predicted alternate stop codon after 159 amino acids. Frameshifts are typically deleterious in nature; however, this frameshift occurs at the 3' terminus of SGSH, is not expected to trigger nonsense-mediated mRNA decay, and a truncated mutant protein could still be expressed (Maquat, 2004). This alteration impacts the last 160 amino acids of the protein and the exact functional impact of these altered amino acids is unknown at this time; however, this alteration and additional truncating alterations downstream of this alteration have been reported in the literature as disease-causing. The alteration is rare in population databases: _x000D_ _x000D_ Based on data from the Genome Aggregation Database (gnomAD), the c.1027dupC alteration was observed in 0.0036% (10/276396) of total alleles studied, with a frequency of 0.0070% (9/127824) in the European (non-Finnish) subpopulation. This alteration has been observed in affected individuals: _x000D_ _x000D_ This alteration has been reported in cohorts of patients with MPS type III, although the specific genotype and phenotype of affected patients were not available (Pollard, 2013; Weber, 1997). This alteration has also been reported as C1039 in the literature. Based on the available evidence, this alteration is classified as pathogenic.

Women's Health and Genetics/Laboratory Corporation of America, LabCorp
Classification: Pathogenic for Sanfilippo syndrome. Last evaluated: 2017-02-02. Review status: criteria provided, single submitter. Criteria: LabCorp Variant Classification Summary - May 2015. Collection method: clinical testing. Allele origin: germline.
Comment: Variant summary: The SGSH c.1027dupC (p.Leu343Profs) variant results in a premature termination codon, predicted to cause a truncated or absent SGSH protein due to nonsense mediated decay, which are commonly known mechanisms for disease. One in silico tool predicts a damaging outcome for this variant. This variant was found in 7/118674 control chromosomes at a frequency of 0.000059, which does not exceed the estimated maximal expected allele frequency of a pathogenic SGSH variant (0.0032275). This variant has been reported in multiple affected individuals as compund heterozygotes. In addition, multiple clinical diagnostic laboratories/reputable databases classified this variant as pathogenic. Taken together, this variant is classified as pathogenic.

Eurofins Ntd Llc (ga)
Classification: Pathogenic. Last evaluated: 2014-06-03. Review status: criteria provided, single submitter. Criteria: EGL Classification Definitions. Collection method: clinical testing. Allele origin: germline. Observed: 1 variant allele, 1 heterozygote.

Counsyl
Classification: Pathogenic for Mucopolysaccharidosis, MPS-III-A. Last evaluated: 2016-11-03. Review status: no assertion criteria provided. Collection method: clinical testing. Allele origin: unknown. Not counted in ClinVar's aggregate classification.

Literature cited by the submitters: PubMed 15146460 (cited by Labcorp Genetics (formerly Invitae), Labcorp and Counsyl); PubMed 21204211 (cited by 3 submitters); PubMed 24314109 (cited by Labcorp Genetics (formerly Invitae), Labcorp and Counsyl); PubMed 9285796 (cited by 3 submitters); PubMed 22976768 (cited by 3 submitters); PubMed 11343308 (cited by Women's Health and Genetics/Laboratory Corporation of America, LabCorp and Counsyl); PubMed 11182930 (cited by Counsyl); PubMed 10727844 (cited by Counsyl).

NM_000199.5(SGSH):c.1027dup (p.Leu343fs)

Gene: SGSH (N-sulfoglucosamine sulfohydrolase; minus strand). Cytogenetic location: 17q25.3.
Variant type: Duplication.
Coding change: c.1027dup on transcript NM_000199.5 (MANE Select); coding-DNA position 1027, one base duplicated (C; older notation c.1027dupC).
Protein change: p.Leu343fs; shifts the reading frame from leucine 343.
Molecular consequence: frameshift variant. On other transcripts: 3 prime UTR variant (2), non-coding transcript variant (1).
Genome position (GRCh38, 1-based): chr17:80,210,934, G duplicated on the plus strand (C on the coding strand, the reverse complement: SGSH is on the minus strand); the first of 2 consecutive G bases (chr17:80,210,934-80,210,935); duplicating either gives the same sequence. VCF-style (leftmost placement, unchanged base first): chr17-80210933-A-AG. GRCh37 (hg19) VCF-style: chr17-78184732-A-AG.
Other names: c.1027dupC (NM_000199.5, NM_000199.4); c.*114dup (NM_001352921.3); c.*77dup (NM_001352922.2); c.1027dup (NM_000199.3); short protein forms L343fs.
Identifiers: ClinVar variation 198694 (VCV000198694.30), dbSNP rs778700037, ClinGen allele CA203558.